The following is an entry in ClinVar:

ClinVar aggregate classification (germline): Uncertain significance (1 of 4 stars; one submission).

Conditions:
Primary ciliary dyskinesia. Also called: Ciliary dyskinesia. Identifiers: Orphanet 244, MedGen C0008780, MONDO:0016575, HP:0012265.

gnomAD v4.1: 4 of 1,580,980 alleles (0.00025%); highest among the groups gnomAD compares: African/African-American, 0.0041%; no homozygotes.

Submission:

Labcorp Genetics (formerly Invitae), Labcorp
Classification: Uncertain significance for Primary ciliary dyskinesia. Last evaluated: 2025-06-22. Review status: criteria provided, single submitter. Criteria: Invitae Variant Classification Sherloc (09022015). Collection method: clinical testing. Allele origin: germline.
Comment: This sequence change affects acceptor splice site in intron 81 of the DNAH11 gene. While this variant is not anticipated to result in nonsense mediated decay, it likely alters RNA splicing and results in a disrupted protein product. This variant is not present in population databases (gnomAD no frequency). Disruption of this splice site has been observed in individual(s) with primary ciliary dyskinesia (PMID: 29363216). Variants that disrupt the consensus splice site are a relatively common cause of aberrant splicing (PMID: 17576681, 9536098). Algorithms developed to predict the effect of sequence changes on RNA splicing suggest that this variant may disrupt the consensus splice site. In summary, the available evidence is currently insufficient to determine the role of this variant in disease. Therefore, it has been classified as a Variant of Uncertain Significance.

Literature cited by the submitters: PubMed 29363216; PubMed 17576681; PubMed 9536098.

NM_001277115.2(DNAH11):c.13304-2A>G

Genes: CDCA7L (cell division cycle associated 7 like; minus strand), DNAH11 (dynein axonemal heavy chain 11; plus strand). Cytogenetic location: 7p15.3.
Variant type: single nucleotide variant.
Coding change: c.13304-2A>G on transcript NM_001277115.2 (MANE Select); the canonical splice acceptor site of the intron before coding-DNA position 13304, A replaced by G.
Molecular consequence: splice acceptor variant. On other transcripts: 3 prime UTR variant (3).
Genome position (GRCh38, 1-based): chr7:21,901,005, A>G. VCF-style: chr7-21901005-A-G. GRCh37 (hg19) VCF-style: chr7-21940623-A-G.
Other names: c.*1317T>C (NM_001127370.3, NM_001127371.3, NM_018719.5).
Identifiers: ClinVar variation 4768763 (VCV004768763.1).